The following is an entry in ClinVar:

NM_000059.4(BRCA2):c.8172_8175dup (p.Tyr2726fs)

Gene: BRCA2 (BRCA2 DNA repair associated; plus strand). Cytogenetic location: 13q13.1.
Variant type: Duplication.
Coding change: c.8172_8175dup on transcript NM_000059.4 (MANE Select); coding-DNA positions 8172 to 8175, 4 bases duplicated (GTGG; older notation c.8172_8175dupGTGG).
Protein change: p.Tyr2726fs; shifts the reading frame from tyrosine 2726.
Molecular consequence: frameshift variant.
Genome position (GRCh38, 1-based): chr13:32,363,374-32,363,377, GTGG duplicated; duplicating any 4 consecutive bases within chr13:32,363,371-32,363,377 gives the same sequence; the c. name uses the placement nearest the transcript's 3' end. VCF-style (leftmost placement, unchanged base first): chr13-32363370-A-ATGGG. GRCh37 (hg19) VCF-style: chr13-32937507-A-ATGGG.
Other names: c.8172_8175dupGTGG (NM_000059.3); short protein forms Y2726fs.
Identifiers: ClinVar variation 52518 (VCV000052518.49), dbSNP rs397507964, ClinGen allele CA025489.

ClinVar aggregate classification (germline): Pathogenic. Review status: reviewed by expert panel (3 of 4 stars). 7 submissions from 7 submitters: Pathogenic (1). 6 of the submissions do not count toward it. Last evaluated 2016-09-08.

Conditions:
Hereditary cancer-predisposing syndrome. Also called: Hereditary Cancer Syndrome; Tumor predisposition; Neoplastic Syndromes, Hereditary; Hereditary neoplastic syndrome. Identifiers: Orphanet 140162, MedGen C0027672, MeSH D009386, MONDO:0015356.
Hereditary breast ovarian cancer syndrome. Also called: Breast and ovarian cancer; BRCA1- and BRCA2-Associated Hereditary Breast and Ovarian Cancer; Hereditary breast and ovarian cancer; Hereditary breast and ovarian cancer syndrome (HBOC); Hereditary breast and ovarian cancer syndrome; Hereditary breast and/or ovarian cancer syndrome. Identifiers: Orphanet 145, MedGen C0677776, MeSH D061325, MONDO:0003582. Disease mechanism: loss of function.
Breast-ovarian cancer, familial, susceptibility to, 2 (BROVCA2). Also called: BRCA2 Hereditary Breast and Ovarian Cancer. Identifiers: Orphanet 145, MedGen C2675520, MONDO:0012933, OMIM 612555. Disease mechanism: loss of function.
Familial cancer of breast. Also called: BREAST CANCER, FAMILIAL; hereditary breast carcinoma; Hereditary breast cancer. Identifiers: Orphanet 227535, MedGen C0346153, MONDO:0016419, OMIM 114480. Disease mechanism: loss of function.

Submissions (7):

Evidence-based Network for the Interpretation of Germline Mutant Alleles (ENIGMA)
Classification: Pathogenic for Breast-ovarian cancer, familial, susceptibility to, 2. Last evaluated: 2016-09-08. Review status: reviewed by expert panel. Criteria: ENIGMA BRCA1/2 Classification Criteria (2015). Collection method: curation. Allele origin: germline.
Comment: Variant allele predicted to encode a truncated non-functional protein.

Institute of Human Genetics, University of Leipzig Medical Center
Classification: Pathogenic for Familial cancer of breast. Last evaluated: 2026-03-23. Review status: criteria provided, single submitter. Criteria: ACMG Guidelines, 2015. Collection method: clinical testing. Allele origin: unknown. Inheritance: Autosomal dominant inheritance. Affected: yes. Not counted in ClinVar's aggregate classification.
Comment: Criteria applied: PVS1,PM5_STR,PM2_SUP

Labcorp Genetics (formerly Invitae), Labcorp
Classification: Pathogenic for Hereditary breast ovarian cancer syndrome. Last evaluated: 2024-11-15. Review status: criteria provided, single submitter. Criteria: Invitae Variant Classification Sherloc (09022015). Collection method: clinical testing. Allele origin: germline. Not counted in ClinVar's aggregate classification.
Comment: This sequence change creates a premature translational stop signal (p.Tyr2726Valfs*5) in the BRCA2 gene. It is expected to result in an absent or disrupted protein product. Loss-of-function variants in BRCA2 are known to be pathogenic (PMID: 20104584). This variant is not present in population databases (gnomAD no frequency). This premature translational stop signal has been observed in individual(s) with hereditary breast and ovarian cancer syndrome (PMID: 15024741). This variant is also known as c.8397_8400dupTGGG(p.Trp2725fsX5). ClinVar contains an entry for this variant (Variation ID: 52518). For these reasons, this variant has been classified as Pathogenic.

Ambry Genetics
Classification: Pathogenic for Hereditary cancer-predisposing syndrome. Last evaluated: 2024-09-14. Review status: criteria provided, single submitter. Criteria: Ambry Variant Classification Scheme 2023. Collection method: clinical testing. Allele origin: germline. Not counted in ClinVar's aggregate classification.
Comment: The c.8172_8175dupGTGG pathogenic mutation, located in coding exon 17 of the BRCA2 gene, results from a duplication of GTGG at nucleotide position 8172, causing a translational frameshift with a predicted alternate stop codon (p.Y2726Vfs*5). This variant was identified in a cohort of German patients considered to be at increased risk for HBOC syndrome (Meisel C et al. Arch Gynecol Obstet, 2017 May;295:1227-1238). This variant is considered to be rare based on population cohorts in the Genome Aggregation Database (gnomAD). This alteration is expected to result in loss of function by premature protein truncation or nonsense-mediated mRNA decay. As such, this alteration is interpreted as a disease-causing mutation.

Institute for Clinical Genetics, University Hospital TU Dresden, University Hospital TU Dresden
Classification: Pathogenic. Last evaluated: 2021-11-03. Review status: criteria provided, single submitter. Criteria: ACMG Guidelines, 2015. Collection method: clinical testing. Allele origin: germline. Not counted in ClinVar's aggregate classification.

CeGaT Center for Human Genetics Tuebingen
Classification: Pathogenic. Last evaluated: 2019-03-01. Review status: criteria provided, single submitter. Criteria: CeGaT Center For Human Genetics Tuebingen Variant Classification Criteria Version 2. Collection method: clinical testing. Allele origin: germline. Affected: yes. Observed: 1 variant allele. Not counted in ClinVar's aggregate classification.

Consortium of Investigators of Modifiers of BRCA1/2 (CIMBA), c/o University of Cambridge
Classification: Pathogenic for Breast-ovarian cancer, familial, susceptibility to, 2. Last evaluated: 2015-10-02. Review status: criteria provided, single submitter. Criteria: CIMBA Mutation Classification guidelines May 2016. Collection method: clinical testing. Allele origin: germline. Not counted in ClinVar's aggregate classification.

Literature cited by the submitters: PubMed 20104584 (cited by Labcorp Genetics (formerly Invitae), Labcorp); PubMed 15024741 (cited by Labcorp Genetics (formerly Invitae), Labcorp); PubMed 28324225 (cited by Ambry Genetics).